The following is an entry in ClinVar:

ClinVar aggregate classification (germline): Uncertain significance (1 of 4 stars; one submission).

Conditions:
Inborn genetic diseases. Identifiers: MedGen C0950123, MeSH D030342.

Submission:

Ambry Genetics
Classification: Uncertain significance for Inborn genetic diseases. Last evaluated: 2026-02-15. Review status: criteria provided, single submitter. Criteria: Ambry Variant Classification Scheme 2023. Collection method: clinical testing. Allele origin: germline.
Comment: The p.T172A variant (also known as c.514A>G), located in coding exon 2 of the FANCM gene, results from an A to G substitution at nucleotide position 514. The threonine at codon 172 is replaced by alanine, an amino acid with similar properties. This amino acid position is conserved. In addition, this alteration is predicted to be tolerated by in silico analysis. Based on the available evidence, the clinical significance of this variant remains unclear.

NM_020937.4(FANCM):c.514A>G (p.Thr172Ala)

Gene: FANCM (FA complementation group M; plus strand). Cytogenetic location: 14q21.2.
Variant type: single nucleotide variant.
Coding change: c.514A>G on transcript NM_020937.4 (MANE Select); coding-DNA position 514, A replaced by G.
Protein change: p.Thr172Ala; replaces threonine 172 with alanine.
Molecular consequence: missense variant.
Genome position (GRCh38, 1-based): chr14:45,137,074, A>G. VCF-style: chr14-45137074-A-G. GRCh37 (hg19) VCF-style: chr14-45606277-A-G.
Other names: c.514A>G, p.Thr172Ala (NM_001308133.2, NM_001308134.2); short protein forms T172A.
Identifiers: ClinVar variation 4844561 (VCV004844561.1).
Genomic context (GRCh38, chr14:45,137,074, plus strand): 5'-ATTTTATAGATAACAGTCTGAAGTTTAGAATGTAGAATGTCACTTTTATTTTCAGGGTCT[A>G]CACAAGCTTCCACCAGGAAGGAAATATGGTGCAGTAAGAGAGTGCTTTTTCTTACACCTC-3'
Protein context (NP_065988.1, residues 162-182): QSHMAEMTGS[Thr172Ala]QASTRKEIWC